The following is an entry in ClinVar:

NM_020928.2(ZSWIM6):c.127C>G (p.Arg43Gly)

Gene: ZSWIM6 (zinc finger SWIM-type containing 6; plus strand). Cytogenetic location: 5q12.1.
Variant type: single nucleotide variant.
Coding change: c.127C>G on transcript NM_020928.2 (MANE Select); coding-DNA position 127, C replaced by G.
Protein change: p.Arg43Gly; replaces arginine 43 with glycine.
Molecular consequence: missense variant.
Genome position (GRCh38, 1-based): chr5:61,332,399, C>G. VCF-style: chr5-61332399-C-G. GRCh37 (hg19) VCF-style: chr5-60628226-C-G.
Other names: short protein forms R43G.
Identifiers: ClinVar variation 1499013 (VCV001499013.8), dbSNP rs1422977600, ClinGen allele CA359940042.

ClinVar aggregate classification (germline): Uncertain significance (1 of 4 stars; one submission).

Allele frequency attached by ClinVar (database versions not stated): gnomAD 0.00001.
gnomAD v4.1: 18 of 990,916 alleles (0.0018%); highest among the groups gnomAD compares: South Asian, 0.0045%; no homozygotes.

Submission:

Labcorp Genetics (formerly Invitae), Labcorp
Classification: Uncertain significance. Last evaluated: 2021-06-16. Review status: criteria provided, single submitter. Criteria: Invitae Variant Classification Sherloc (09022015). Collection method: clinical testing. Allele origin: germline.
Comment: In summary, the available evidence is currently insufficient to determine the role of this variant in disease. Therefore, it has been classified as a Variant of Uncertain Significance. Algorithms developed to predict the effect of missense changes on protein structure and function are either unavailable or do not agree on the potential impact of this missense change (SIFT: "Tolerated"; PolyPhen-2: "Not Available"; Align-GVGD: "Class C0"). This variant has not been reported in the literature in individuals with ZSWIM6-related conditions. The frequency data for this variant in the population databases is considered unreliable, as metrics indicate insufficient coverage at this position in the ExAC database. This sequence change replaces arginine with glycine at codon 43 of the ZSWIM6 protein (p.Arg43Gly). The arginine residue is weakly conserved and there is a moderate physicochemical difference between arginine and glycine.